The following is an entry in ClinVar:

ClinVar aggregate classification (germline): Uncertain significance (1 of 4 stars; one submission).

Submission:

Labcorp Genetics (formerly Invitae), Labcorp
Classification: Uncertain significance. Last evaluated: 2025-09-05. Review status: criteria provided, single submitter. Criteria: Invitae Variant Classification Sherloc (09022015). Collection method: clinical testing. Allele origin: germline.
Comment: This sequence change replaces leucine, which is neutral and non-polar, with valine, which is neutral and non-polar, at codon 203 of the GGCX protein (p.Leu203Val). This variant is not present in population databases (gnomAD no frequency). This variant has not been reported in the literature in individuals affected with GGCX-related conditions. Invitae Evidence Modeling of protein sequence and biophysical properties (such as structural, functional, and spatial information, amino acid conservation, physicochemical variation, residue mobility, and thermodynamic stability) indicates that this missense variant is not expected to disrupt GGCX protein function with a negative predictive value of 80%. In summary, the available evidence is currently insufficient to determine the role of this variant in disease. Therefore, it has been classified as a Variant of Uncertain Significance.

NM_000821.7(GGCX):c.607C>G (p.Leu203Val)

Gene: GGCX (gamma-glutamyl carboxylase; minus strand). Cytogenetic location: 2p11.2.
Variant type: single nucleotide variant.
Coding change: c.607C>G on transcript NM_000821.7 (MANE Select); coding-DNA position 607, C replaced by G.
Protein change: p.Leu203Val; replaces leucine 203 with valine.
Molecular consequence: missense variant.
Genome position (GRCh38, 1-based): chr2:85,556,193, G>C on the plus strand (C>G on the coding strand, the complement: GGCX is on the minus strand). VCF-style: chr2-85556193-G-C. GRCh37 (hg19) VCF-style: chr2-85783316-G-C.
Other names: c.436C>G, p.Leu146Val (NM_001142269.4); short protein forms L146V, L203V.
Identifiers: ClinVar variation 4744933 (VCV004744933.1).